The following is an entry in ClinVar:

NM_001363711.2(DUOX2):c.2551T>C (p.Phe851Leu)

Gene: DUOX2 (dual oxidase 2; minus strand). Cytogenetic location: 15q21.1.
Variant type: single nucleotide variant.
Coding change: c.2551T>C on transcript NM_001363711.2 (MANE Select); coding-DNA position 2551, T replaced by C.
Protein change: p.Phe851Leu; replaces phenylalanine 851 with leucine.
Molecular consequence: missense variant.
Genome position (GRCh38, 1-based): chr15:45,104,149, A>G on the plus strand (T>C on the coding strand, the complement: DUOX2 is on the minus strand). VCF-style: chr15-45104149-A-G. GRCh37 (hg19) VCF-style: chr15-45396347-A-G.
Other names: c.2551T>C, p.Phe851Leu (NM_014080.5); short protein forms F851L.
Identifiers: ClinVar variation 1717880 (VCV001717880.5), dbSNP rs2504761254, ClinGen allele CA392269400.

ClinVar aggregate classification (germline): Uncertain significance (1 of 4 stars; one submission).

Submission:

Labcorp Genetics (formerly Invitae), Labcorp
Classification: Uncertain significance. Last evaluated: 2024-02-24. Review status: criteria provided, single submitter. Criteria: Invitae Variant Classification Sherloc (09022015). Collection method: clinical testing. Allele origin: germline.
Comment: This sequence change replaces phenylalanine, which is neutral and non-polar, with leucine, which is neutral and non-polar, at codon 851 of the DUOX2 protein (p.Phe851Leu). This variant is not present in population databases (gnomAD no frequency). This variant has not been reported in the literature in individuals affected with DUOX2-related conditions. ClinVar contains an entry for this variant (Variation ID: 1717880). Advanced modeling of protein sequence and biophysical properties (such as structural, functional, and spatial information, amino acid conservation, physicochemical variation, residue mobility, and thermodynamic stability) performed at Invitae indicates that this missense variant is not expected to disrupt DUOX2 protein function with a negative predictive value of 80%. In summary, the available evidence is currently insufficient to determine the role of this variant in disease. Therefore, it has been classified as a Variant of Uncertain Significance.